The following is an entry in ClinVar:

NM_000152.5(GAA):c.2215A>G (p.Thr739Ala)

Gene: GAA (alpha glucosidase; plus strand). Cytogenetic location: 17q25.3.
Variant type: single nucleotide variant.
Coding change: c.2215A>G on transcript NM_000152.5 (MANE Select); coding-DNA position 2215, A replaced by G.
Protein change: p.Thr739Ala; replaces threonine 739 with alanine.
Molecular consequence: missense variant.
Genome position (GRCh38, 1-based): chr17:80,116,993, A>G. VCF-style: chr17-80116993-A-G. GRCh37 (hg19) VCF-style: chr17-78090792-A-G.
Other names: c.2215A>G, p.Thr739Ala (NM_001079803.3, NM_001079804.3); short protein forms T739A.
Identifiers: ClinVar variation 938987 (VCV000938987.4), dbSNP rs578245757, ClinGen allele CA8815658.

ClinVar aggregate classification (germline): Uncertain significance (1 of 4 stars; one submission).

Conditions:
Glycogen storage disease, type II (IOPD). Also called: POMPE DISEASE, INFANTILE-ONSET; GLYCOGEN STORAGE DISEASE II, INFANTILE-ONSET; ACID ALPHA-GLUCOSIDASE DEFICIENCY, INFANTILE-ONSET; GAA DEFICIENCY, INFANTILE-ONSET; ACID MALTASE DEFICIENCY, INFANTILE-ONSET; Glucosidase acid-1,4-alpha deficiency. Identifiers: Orphanet 365, MedGen C0017921, MONDO:0009290, OMIM 232300.

Allele frequency attached by ClinVar (database versions not stated): TOPMed 0.00002.
gnomAD v4.1: 10 of 1,613,592 alleles (0.00062%); highest among the groups gnomAD compares: Non-Finnish European, 0.00085%; no homozygotes.

Submission:

Labcorp Genetics (formerly Invitae), Labcorp
Classification: Uncertain significance for Glycogen storage disease, type II. Last evaluated: 2022-09-28. Review status: criteria provided, single submitter. Criteria: Invitae Variant Classification Sherloc (09022015). Collection method: clinical testing. Allele origin: germline.
Comment: This sequence change replaces threonine, which is neutral and polar, with alanine, which is neutral and non-polar, at codon 739 of the GAA protein (p.Thr739Ala). This variant is present in population databases (rs578245757, gnomAD 0.003%). This variant has not been reported in the literature in individuals affected with GAA-related conditions. ClinVar contains an entry for this variant (Variation ID: 938987). Advanced modeling of protein sequence and biophysical properties (such as structural, functional, and spatial information, amino acid conservation, physicochemical variation, residue mobility, and thermodynamic stability) performed at Invitae indicates that this missense variant is not expected to disrupt GAA protein function. In summary, the available evidence is currently insufficient to determine the role of this variant in disease. Therefore, it has been classified as a Variant of Uncertain Significance.